The following is an entry in ClinVar:

ClinVar aggregate classification (germline): Uncertain significance (1 of 4 stars; one submission).

Allele frequency attached by ClinVar (database versions not stated): gnomAD exomes below 0.00001; ExAC 0.00001.
gnomAD v4.1: 2 of 1,614,034 alleles (0.00012%); highest among the groups gnomAD compares: East Asian, 0.0022%; no homozygotes.

Submission:

Labcorp Genetics (formerly Invitae), Labcorp
Classification: Uncertain significance. Last evaluated: 2023-08-22. Review status: criteria provided, single submitter. Criteria: Invitae Variant Classification Sherloc (09022015). Collection method: clinical testing. Allele origin: germline.
Comment: ClinVar contains an entry for this variant (Variation ID: 1463972). This variant has not been reported in the literature in individuals affected with ITGAM-related conditions. This variant is present in population databases (rs746372791, gnomAD 0.006%). This sequence change replaces methionine, which is neutral and non-polar, with threonine, which is neutral and polar, at codon 595 of the ITGAM protein (p.Met595Thr). An algorithm developed to predict the effect of missense changes on protein structure and function (PolyPhen-2) suggests that this variant is likely to be disruptive. In summary, the available evidence is currently insufficient to determine the role of this variant in disease. Therefore, it has been classified as a Variant of Uncertain Significance.

NM_000632.4(ITGAM):c.1784T>C (p.Met595Thr)

Gene: ITGAM (integrin subunit alpha M; plus strand). Cytogenetic location: 16p11.2.
Variant type: single nucleotide variant.
Coding change: c.1784T>C on transcript NM_000632.4 (MANE Select); coding-DNA position 1784, T replaced by C.
Protein change: p.Met595Thr; replaces methionine 595 with threonine.
Molecular consequence: missense variant.
Genome position (GRCh38, 1-based): chr16:31,321,317, T>C. VCF-style: chr16-31321317-T-C. GRCh37 (hg19) VCF-style: chr16-31332638-T-C.
Other names: c.1787T>C, p.Met596Thr (NM_001145808.2); short protein forms M596T, M595T.
Identifiers: ClinVar variation 1463972 (VCV001463972.8), dbSNP rs746372791, ClinGen allele CA8025655.